The following is an entry in ClinVar:

ClinVar aggregate classification (germline): Uncertain significance. Review status: criteria provided, multiple submitters, no conflicts (2 of 4 stars). 2 submissions from 2 submitters: Uncertain significance (2). Last evaluated 2021-08-17.

Conditions:
Hereditary cancer-predisposing syndrome. Also called: Hereditary neoplastic syndrome; Neoplastic Syndromes, Hereditary; Hereditary Cancer Syndrome; Tumor predisposition. Identifiers: Orphanet 140162, MedGen C0027672, MeSH D009386, MONDO:0015356.
Familial cancer of breast. Also called: Hereditary breast cancer; BREAST CANCER, FAMILIAL; hereditary breast carcinoma. Identifiers: Orphanet 227535, MedGen C0346153, MONDO:0016419, OMIM 114480. Disease mechanism: loss of function.

Allele frequency attached by ClinVar (database versions not stated): gnomAD exomes below 0.00001.
gnomAD v4.1: 1 of 1,614,118 alleles (0.000062%); highest among the groups gnomAD compares: Non-Finnish European, 0.000085%; no homozygotes.

Submissions (2):

Labcorp Genetics (formerly Invitae), Labcorp
Classification: Uncertain significance for Familial cancer of breast. Last evaluated: 2021-08-17. Review status: criteria provided, single submitter. Criteria: Invitae Variant Classification Sherloc (09022015). Collection method: clinical testing. Allele origin: germline.
Comment: This sequence change replaces aspartic acid with alanine at codon 674 of the PALB2 protein (p.Asp674Ala). The aspartic acid residue is moderately conserved and there is a moderate physicochemical difference between aspartic acid and alanine. This variant is not present in population databases (ExAC no frequency). This variant has not been reported in the literature in individuals affected with PALB2-related conditions. Algorithms developed to predict the effect of missense changes on protein structure and function are either unavailable or do not agree on the potential impact of this missense change (SIFT: "Deleterious"; PolyPhen-2: "Benign"; Align-GVGD: "Class C0"). In summary, the available evidence is currently insufficient to determine the role of this variant in disease. Therefore, it has been classified as a Variant of Uncertain Significance.

Ambry Genetics
Classification: Uncertain significance for Hereditary cancer-predisposing syndrome. Last evaluated: 2021-01-25. Review status: criteria provided, single submitter. Criteria: Ambry Variant Classification Scheme 2023. Collection method: clinical testing. Allele origin: germline.
Comment: The p.D674A variant (also known as c.2021A>C), located in coding exon 5 of the PALB2 gene, results from an A to C substitution at nucleotide position 2021. The aspartic acid at codon 674 is replaced by alanine, an amino acid with dissimilar properties. This amino acid position is not well conserved in available vertebrate species. In addition, this alteration is predicted to be tolerated by in silico analysis. Since supporting evidence is limited at this time, the clinical significance of this alteration remains unclear.

NM_024675.4(PALB2):c.2021A>C (p.Asp674Ala)

Gene: PALB2 (partner and localizer of BRCA2; minus strand). Cytogenetic location: 16p12.2.
Variant type: single nucleotide variant.
Coding change: c.2021A>C on transcript NM_024675.4 (MANE Select); coding-DNA position 2021, A replaced by C.
Protein change: p.Asp674Ala; replaces aspartic acid 674 with alanine.
Molecular consequence: missense variant.
Genome position (GRCh38, 1-based): chr16:23,630,133, T>G on the plus strand (A>C on the coding strand, the complement: PALB2 is on the minus strand). VCF-style: chr16-23630133-T-G. GRCh37 (hg19) VCF-style: chr16-23641454-T-G.
Other names: short protein forms D674A.
Identifiers: ClinVar variation 1483842 (VCV001483842.9), dbSNP rs1064793726, ClinGen allele CA395127021.